The following is an entry in ClinVar:

ClinVar aggregate classification (germline): Likely benign (1 of 4 stars; one submission).

Submission:

CeGaT Center for Human Genetics Tuebingen
Classification: Likely benign. Last evaluated: 2025-11-01. Review status: criteria provided, single submitter. Criteria: CeGaT Center For Human Genetics Tuebingen Variant Classification Criteria Version 2. Collection method: clinical testing. Allele origin: germline. Affected: yes. Observed: 1 variant allele.
Comment: SETD1A: BS2

NM_014712.3(SETD1A):c.1783C>T (p.Pro595Ser)

Gene: SETD1A (SET domain containing 1A, histone lysine methyltransferase; plus strand). Cytogenetic location: 16p11.2.
Variant type: single nucleotide variant.
Coding change: c.1783C>T on transcript NM_014712.3 (MANE Select); coding-DNA position 1783, C replaced by T.
Protein change: p.Pro595Ser; replaces proline 595 with serine.
Molecular consequence: missense variant.
Genome position (GRCh38, 1-based): chr16:30,965,664, C>T. VCF-style: chr16-30965664-C-T. GRCh37 (hg19) VCF-style: chr16-30976985-C-T.
Other names: short protein forms P595S.
Identifiers: ClinVar variation 4533789 (VCV004533789.6).